The following is an entry in ClinVar:

NM_000214.3(JAG1):c.463G>C (p.Ala155Pro)

Gene: JAG1 (jagged canonical Notch ligand 1; minus strand). Cytogenetic location: 20p12.2.
Variant type: single nucleotide variant.
Coding change: c.463G>C on transcript NM_000214.3 (MANE Select); coding-DNA position 463, G replaced by C.
Protein change: p.Ala155Pro; replaces alanine 155 with proline.
Molecular consequence: missense variant.
Genome position (GRCh38, 1-based): chr20:10,658,699, C>G on the plus strand (G>C on the coding strand, the complement: JAG1 is on the minus strand). VCF-style: chr20-10658699-C-G. GRCh37 (hg19) VCF-style: chr20-10639347-C-G.
Other names: c.463G>C (NM_000214.2); short protein forms A155P.
Identifiers: ClinVar variation 2431504 (VCV002431504.8), dbSNP rs2514526708, ClinGen allele CA408240624.
Genomic context (GRCh38, chr20:10,658,699, plus strand): 5'-CCGTGTTCTGCTTCAGCGTCTGCCACTGCCGGCTGGGGTTGATCATGCCCGAGTGAGAAG[C>G]CTTTTCAATAATACTGTCAGGTTCTAGAGACAAAGTGATGAATCATGTTAATATTCACAT-3'
Protein context (NP_000205.1, residues 145-165): TVQPDSIIEK[Ala155Pro]SHSGMINPSR

ClinVar aggregate classification (germline): Conflicting classifications of pathogenicity. Review status: criteria provided, conflicting classifications (1 of 4 stars). 4 submissions from 4 submitters: Likely pathogenic (3); Uncertain significance (1). Last evaluated 2026-05-01.

Conditions:
Alagille syndrome due to a JAG1 point mutation. Also called: Alagille Syndrome 1; HEPATIC DUCTULAR HYPOPLASIA, SYNDROMATIC; JAG1-Related Alagille Syndrome. Identifiers: Orphanet 261619, Orphanet 52, MedGen C1956125, MONDO:0016862, OMIM 118450.
JAG1-related disorder. Also called: JAG1-related condition; JAG1-related disorders.

Submissions (5):

PreventionGenetics, part of Exact Sciences
Classification: Likely pathogenic for JAG1-related condition. Last evaluated: 2026-05-01. Review status: criteria provided, single submitter. Criteria: ACMG Guidelines, 2015. Collection method: clinical testing. Allele origin: germline.
Comment: The JAG1 c.463G>C variant is predicted to result in the amino acid substitution p.Ala155Pro. This variant has been reported in at least two individuals with a diagnosis or clinical features suggestive of Alagille syndrome (Warthen et al. 2006. PubMed ID: 16575836; Gilbert et al. 2019. PubMed ID: 31343788). Functional studies suggest this variant impacts protein function (Gilbert et al. 2024. PubMed ID:39043182). To our knowledge, this variant has not been reported in a large population database (gnomAD), indicating this variant is rare. This variant has conflicting interpretations in ClinVar ranging from uncertain to likely pathogenic (ClinVar ID: 2431504). Statistical evidence in gnomAD suggests this region of the JAG1 gene is intolerant of missense variation. Taken together, this variant is interpreted as likely pathogenic.

Blueprint Genetics
Classification: Likely pathogenic for JAG1-related disorders. Last evaluated: 2024-04-10. Review status: criteria provided, single submitter. Criteria: ACMG Guidelines, 2015. Collection method: clinical testing. Allele origin: germline. Affected: yes. Observed: 1 variant allele.

Labcorp Genetics (formerly Invitae), Labcorp
Classification: Uncertain significance for Alagille syndrome due to a JAG1 point mutation. Last evaluated: 2023-06-09. Review status: criteria provided, single submitter. Criteria: Invitae Variant Classification Sherloc (09022015). Collection method: clinical testing. Allele origin: germline.
Comment: In summary, the available evidence is currently insufficient to determine the role of this variant in disease. Therefore, it has been classified as a Variant of Uncertain Significance. Advanced modeling of protein sequence and biophysical properties (such as structural, functional, and spatial information, amino acid conservation, physicochemical variation, residue mobility, and thermodynamic stability) has been performed at Invitae for this missense variant, however the output from this modeling did not meet the statistical confidence thresholds required to predict the impact of this variant on JAG1 protein function. ClinVar contains an entry for this variant (Variation ID: 2431504). This missense change has been observed in individuals with Alagille syndrome (PMID: 16575836, 31343788). This variant is not present in population databases (gnomAD no frequency). This sequence change replaces alanine, which is neutral and non-polar, with proline, which is neutral and non-polar, at codon 155 of the JAG1 protein (p.Ala155Pro).

Laboratorio de Genetica e Diagnostico Molecular, Hospital Israelita Albert Einstein
Classification: Likely pathogenic for Alagille syndrome due to a JAG1 point mutation. Last evaluated: 2022-09-16. Review status: criteria provided, single submitter. Criteria: ACMG Guidelines, 2015. Collection method: clinical testing. Allele origin: germline. Affected: yes. Observed: 1 variant allele.
Comment: ACMG classification criteria: PS4 moderated, PM2 moderated, PP2 supporting, PP3 supporting

Gilbert/Spinner Lab, Children's Hospital of Philadelphia
No classification provided (evidence only). Condition: Alagille syndrome. Review status: no classification provided. Collection method: research. Allele origin: not applicable. Functional consequence: functionally_abnormal. Not counted in ClinVar's aggregate classification.
ClinVar note: "not provided" was previously submitted as the classification for the variant. However, the classification appeared to be based only on an observation of functional data so it was converted to no classification on 2025-07-30.

Literature cited by the submitters: PubMed 16575836 (cited by Labcorp Genetics (formerly Invitae), Labcorp); PubMed 31343788 (cited by Labcorp Genetics (formerly Invitae), Labcorp).